The following is an entry in ClinVar:

NM_001369.3(DNAH5):c.477C>T (p.Gly159=)

Gene: DNAH5 (dynein axonemal heavy chain 5; minus strand). Cytogenetic location: 5p15.2.
Variant type: single nucleotide variant.
Coding change: c.477C>T on transcript NM_001369.3 (MANE Select); coding-DNA position 477, C replaced by T.
Protein change: p.Gly159=; no amino-acid change (glycine 159 retained).
Molecular consequence: synonymous variant.
Genome position (GRCh38, 1-based): chr5:13,922,290, G>A on the plus strand (C>T on the coding strand, the complement: DNAH5 is on the minus strand). VCF-style: chr5-13922290-G-A. GRCh37 (hg19) VCF-style: chr5-13922399-G-A.
Other names: c.477C>T (NM_001369.2).
Identifiers: ClinVar variation 1062551 (VCV001062551.10), dbSNP rs897766386, ClinGen allele CA113967166.

ClinVar aggregate classification (germline): Conflicting classifications of pathogenicity. Review status: criteria provided, conflicting classifications (1 of 4 stars). 3 submissions from 3 submitters: Uncertain significance (1); Likely benign (1). 1 of the submissions does not count toward it. Last evaluated 2025-05-11.

Conditions:
Primary ciliary dyskinesia. Also called: Ciliary dyskinesia. Identifiers: Orphanet 244, MedGen C0008780, MONDO:0016575, HP:0012265.
DNAH5-related disorder. Also called: DNAH5-related condition.

Allele frequency attached by ClinVar (database versions not stated): gnomAD exomes 0.00001; gnomAD 0.00007; TOPMed 0.00016.
gnomAD v4.1: 20 of 1,613,452 alleles (0.0012%); highest among the groups gnomAD compares: Admixed American, 0.023%; no homozygotes.

Submissions (3):

Labcorp Genetics (formerly Invitae), Labcorp
Classification: Likely benign for Primary ciliary dyskinesia. Last evaluated: 2025-05-11. Review status: criteria provided, single submitter. Criteria: Invitae Variant Classification Sherloc (09022015). Collection method: clinical testing. Allele origin: germline.

PreventionGenetics, part of Exact Sciences
Classification: Uncertain significance for DNAH5-related condition. Last evaluated: 2023-03-10. Review status: criteria provided, single submitter. Criteria: ACMG Guidelines, 2015. Collection method: clinical testing. Allele origin: germline.
Comment: The DNAH5 c.477C>T variant is not predicted to result in an amino acid change (p.=). This variant is predicted to create a cryptic splice donor site based on available splicing prediction programs (Alamut Visual Plus v1.6.1). However, such computer prediction programs are imperfect. To our knowledge, this variant has not been reported in the literature. This variant is reported in 0.0058% of alleles in individuals of Latino descent in gnomAD. At this time, the clinical significance of this variant is uncertain due to the absence of conclusive functional and genetic evidence.

Natera, Inc.
Classification: Uncertain significance for Primary ciliary dyskinesia. Last evaluated: 2020-03-17. Review status: no assertion criteria provided. Collection method: clinical testing. Allele origin: germline. Not counted in ClinVar's aggregate classification.